The following is an entry in ClinVar:

ClinVar aggregate classification (germline): Likely benign (1 of 4 stars; one submission).

gnomAD v4.1: 2 of 1,598,168 alleles (0.00013%); highest among the groups gnomAD compares: Middle Eastern, 0.017%; no homozygotes.

Submission:

CeGaT Center for Human Genetics Tuebingen
Classification: Likely benign. Last evaluated: 2026-04-01. Review status: criteria provided, single submitter. Criteria: CeGaT Center For Human Genetics Tuebingen Variant Classification Criteria Version 2. Collection method: clinical testing. Allele origin: germline. Affected: yes. Observed: 1 variant allele.
Comment: MBOAT7: BP4, BP7

NM_024298.5(MBOAT7):c.708C>G (p.Pro236=)

Gene: MBOAT7 (membrane bound acylglycerophosphatidylinositol O-acyltransferase MBOAT7; minus strand). Cytogenetic location: 19q13.42.
Variant type: single nucleotide variant.
Coding change: c.708C>G on transcript NM_024298.5 (MANE Select); coding-DNA position 708, C replaced by G.
Protein change: p.Pro236=; no amino-acid change (proline 236 retained).
Molecular consequence: synonymous variant.
Genome position (GRCh38, 1-based): chr19:54,180,919, G>C on the plus strand (C>G on the coding strand, the complement: MBOAT7 is on the minus strand). VCF-style: chr19-54180919-G-C. GRCh37 (hg19) VCF-style: chr19-54684636-G-C.
Other names: c.489C>G, p.Pro163= (NM_001146056.3, NM_001146083.3); c.708C>G, p.Pro236= (NM_001146082.3).
Identifiers: ClinVar variation 4872322 (VCV004872322.2).